The following is an entry in ClinVar:

NM_001854.4(COL11A1):c.1488+6T>C

Gene: COL11A1 (collagen type XI alpha 1 chain; minus strand). Cytogenetic location: 1p21.1.
Variant type: single nucleotide variant.
Coding change: c.1488+6T>C on transcript NM_001854.4 (MANE Select); 6 bases into the intron after coding-DNA position 1488, T replaced by C.
Molecular consequence: intron variant.
Genome position (GRCh38, 1-based): chr1:103,015,662, A>G on the plus strand (T>C on the coding strand, the complement: COL11A1 is on the minus strand). VCF-style: chr1-103015662-A-G. GRCh37 (hg19) VCF-style: chr1-103481218-A-G.
Other names: c.1371+6T>C (NM_001190709.2); c.1524+6T>C (NM_080629.3); c.1140+6T>C (NM_080630.4).
Identifiers: ClinVar variation 1508824 (VCV001508824.6), dbSNP rs1571042150, ClinGen allele CA1185287685.

ClinVar aggregate classification (germline): Uncertain significance (1 of 4 stars; one submission).

Allele frequency attached by ClinVar (database versions not stated): gnomAD exomes below 0.00001; TOPMed below 0.00001.
gnomAD v4.1: 5 of 1,598,348 alleles (0.00031%); highest among the groups gnomAD compares: Non-Finnish European, 0.00026%; no homozygotes.

Submission:

Labcorp Genetics (formerly Invitae), Labcorp
Classification: Uncertain significance. Last evaluated: 2022-09-01. Review status: criteria provided, single submitter. Criteria: Invitae Variant Classification Sherloc (09022015). Collection method: clinical testing. Allele origin: germline.
Comment: This variant is not present in population databases (gnomAD no frequency). This variant has not been reported in the literature in individuals affected with COL11A1-related conditions. ClinVar contains an entry for this variant (Variation ID: 1508824). Variants that disrupt the consensus splice site are a relatively common cause of aberrant splicing (PMID: 17576681, 9536098). Algorithms developed to predict the effect of sequence changes on RNA splicing suggest that this variant is not likely to affect RNA splicing. In summary, the available evidence is currently insufficient to determine the role of this variant in disease. Therefore, it has been classified as a Variant of Uncertain Significance. This sequence change falls in intron 12 of the COL11A1 gene. It does not directly change the encoded amino acid sequence of the COL11A1 protein. It affects a nucleotide within the consensus splice site.

Literature cited by the submitters: PubMed 17576681; PubMed 9536098.